The following is an entry in ClinVar:

ClinVar aggregate classification (germline): Likely benign. Review status: criteria provided, single submitter (1 of 4 stars). 2 submissions from 2 submitters: Likely benign (1). 1 of the submissions does not count toward it. Last evaluated 2025-07-06.

Conditions:
NSD1-related disorder. Also called: NSD1-related condition.

Allele frequency attached by ClinVar (database versions not stated): ExAC 0.00001; gnomAD 0.00001 and 0.00002; gnomAD exomes 0.00001; TOPMed 0.00002.
gnomAD v4.1: 20 of 1,614,074 alleles (0.0012%); highest among the groups gnomAD compares: Admixed American, 0.0033%; no homozygotes.

Submissions (2):

Labcorp Genetics (formerly Invitae), Labcorp
Classification: Likely benign. Last evaluated: 2025-07-06. Review status: criteria provided, single submitter. Criteria: Invitae Variant Classification Sherloc (09022015). Collection method: clinical testing. Allele origin: germline.

PreventionGenetics, part of Exact Sciences
Classification: Likely benign for NSD1-related condition. Last evaluated: 2023-08-11. Review status: no assertion criteria provided. Collection method: clinical testing. Allele origin: germline. Not counted in ClinVar's aggregate classification.
Comment: This variant is classified as likely benign based on ACMG/AMP sequence variant interpretation guidelines (Richards et al. 2015 PMID: 25741868, with internal and published modifications).

NM_022455.5(NSD1):c.6387G>A (p.Gln2129=)

Gene: NSD1 (nuclear receptor binding SET domain protein 1; plus strand). Cytogenetic location: 5q35.3.
Variant type: single nucleotide variant.
Coding change: c.6387G>A on transcript NM_022455.5 (MANE Select); coding-DNA position 6387, G replaced by A.
Protein change: p.Gln2129=; no amino-acid change (glutamine 2129 retained).
Molecular consequence: synonymous variant.
Genome position (GRCh38, 1-based): chr5:177,292,082, G>A. VCF-style: chr5-177292082-G-A. GRCh37 (hg19) VCF-style: chr5-176719083-G-A.
Other names: c.5514G>A, p.Gln1838= (NM_001365684.2, NM_001409308.1, NM_172349.5); c.6387G>A, p.Gln2129= (NM_001409301.1, NM_001409302.1, NM_001409303.1); c.5967G>A, p.Gln1989= (NM_001409304.1); c.5634G>A, p.Gln1878= (NM_001409305.1); c.5625G>A, p.Gln1875= (NM_001409306.1, NM_001409307.1); c.5265G>A, p.Gln1755= (NM_001409309.1).
Identifiers: ClinVar variation 1620900 (VCV001620900.10), dbSNP rs998492947, ClinGen allele CA3577981.